The following is an entry in ClinVar:

ClinVar aggregate classification (germline): Likely pathogenic (1 of 4 stars; one submission).

Submission:

GeneDx
Classification: Likely pathogenic. Last evaluated: 2023-11-19. Review status: criteria provided, single submitter. Criteria: GeneDx Variant Classification Process June 2021. Collection method: clinical testing. Allele origin: germline. Affected: yes.
Comment: Canonical splice site variant with an unclear effect on protein function; Not observed at significant frequency in large population cohorts (gnomAD); Has not been previously published as pathogenic or benign to our knowledge

NM_000304.4(PMP22):c.78+2dup

Gene: PMP22 (peripheral myelin protein 22; minus strand). Cytogenetic location: 17p12.
Variant type: Duplication.
Coding change: c.78+2dup on transcript NM_000304.4 (MANE Select); the canonical splice donor site of the intron after coding-DNA position 78, one base duplicated (T; older notation c.78+2dupT).
Molecular consequence: splice donor variant.
Genome position (GRCh38, 1-based): chr17:15,260,648, A duplicated on the plus strand (T on the coding strand, the reverse complement: PMP22 is on the minus strand). VCF-style (leftmost placement, unchanged base first): chr17-15260647-C-CA. GRCh37 (hg19) VCF-style: chr17-15163964-C-CA.
Other names: c.78+2dup (NM_001281456.2, NM_153321.3, NM_001281455.2 and 2 more transcripts).
Identifiers: ClinVar variation 3364547 (VCV003364547.1).